The following is an entry in ClinVar:

ClinVar aggregate classification (germline): Uncertain significance. Review status: criteria provided, multiple submitters, no conflicts (2 of 4 stars). 2 submissions from 2 submitters: Uncertain significance (2). Last evaluated 2025-05-27.

Conditions:
Hereditary cancer-predisposing syndrome. Also called: Hereditary neoplastic syndrome; Tumor predisposition; Neoplastic Syndromes, Hereditary; Hereditary Cancer Syndrome. Identifiers: Orphanet 140162, MedGen C0027672, MeSH D009386, MONDO:0015356.
Familial adenomatous polyposis 1 (FAP1). Also called: FAMILIAL ADENOMATOUS POLYPOSIS 1, ATTENUATED; POLYPOSIS, ADENOMATOUS INTESTINAL. Identifiers: MedGen C2713442, MONDO:0021056, OMIM 175100. Disease mechanism: loss of function.

Allele frequency attached by ClinVar (database versions not stated): gnomAD exomes below 0.00001.
gnomAD v4.1: 1 of 1,614,110 alleles (0.000062%); highest among the groups gnomAD compares: Admixed American, 0.0017%; no homozygotes.

Submissions (2):

Ambry Genetics
Classification: Uncertain significance for Hereditary cancer-predisposing syndrome. Last evaluated: 2025-05-27. Review status: criteria provided, single submitter. Criteria: Ambry Variant Classification Scheme 2023. Collection method: clinical testing. Allele origin: germline.
Comment: The p.G1635V variant (also known as c.4904G>T), located in coding exon 15 of the APC gene, results from a G to T substitution at nucleotide position 4904. The glycine at codon 1635 is replaced by valine, an amino acid with dissimilar properties. This amino acid position is well conserved in available vertebrate species. In addition, in silico predictors for this gene do not accurately predict pathogenicity. Missense alterations in APC are not a common cause of disease (Spier I et al. Genet Med. 2024 Feb;26(2):100992). Since supporting evidence is limited at this time, the clinical significance of this alteration remains unclear.

Labcorp Genetics (formerly Invitae), Labcorp
Classification: Uncertain significance for Familial adenomatous polyposis 1. Last evaluated: 2021-05-26. Review status: criteria provided, single submitter. Criteria: Invitae Variant Classification Sherloc (09022015). Collection method: clinical testing. Allele origin: germline.
Comment: In summary, the available evidence is currently insufficient to determine the role of this variant in disease. Therefore, it has been classified as a Variant of Uncertain Significance. Algorithms developed to predict the effect of sequence changes on RNA splicing suggest that this variant may create or strengthen a splice site, but this prediction has not been confirmed by published transcriptional studies. Algorithms developed to predict the effect of missense changes on protein structure and function are either unavailable or do not agree on the potential impact of this missense change (SIFT: "Tolerated"; PolyPhen-2: "Possibly Damaging"; Align-GVGD: "Class C0"). This variant has not been reported in the literature in individuals with APC-related conditions. This variant is not present in population databases (ExAC no frequency). This sequence change replaces glycine with valine at codon 1635 of the APC protein (p.Gly1635Val). The glycine residue is moderately conserved and there is a moderate physicochemical difference between glycine and valine.

NM_000038.6(APC):c.4904G>T (p.Gly1635Val)

Gene: APC (APC regulator of Wnt signaling pathway; plus strand). Cytogenetic location: 5q22.2.
Variant type: single nucleotide variant.
Coding change: c.4904G>T on transcript NM_000038.6 (MANE Select); coding-DNA position 4904, G replaced by T.
Protein change: p.Gly1635Val; replaces glycine 1635 with valine.
Molecular consequence: missense variant.
Genome position (GRCh38, 1-based): chr5:112,840,498, G>T. VCF-style: chr5-112840498-G-T. GRCh37 (hg19) VCF-style: chr5-112176195-G-T.
Other names: c.4904G>T, p.Gly1635Val (NM_001127510.3, NM_001354895.2); c.4850G>T, p.Gly1617Val (NM_001127511.3); c.4958G>T, p.Gly1653Val (NM_001354896.2); c.4934G>T, p.Gly1645Val (NM_001354897.2); c.4829G>T, p.Gly1610Val (NM_001354898.2); c.4820G>T, p.Gly1607Val (NM_001354899.2); c.4781G>T, p.Gly1594Val (NM_001354900.2); c.4727G>T, p.Gly1576Val (NM_001354901.2); and 5 more; short protein forms G1576V, G1610V, G1645V, G1352V, G1509V, G1534V, G1617V, G1544V.
Identifiers: ClinVar variation 1349336 (VCV001349336.11), dbSNP rs1169982962, ClinGen allele CA16032077.
Genomic context (GRCh38, chr5:112,840,498, plus strand): 5'-ACAAACTTCTACCATCACAAAACAGGTTGCAACCCCAAAAGCATGTTAGTTTTACACCGG[G>T]GGATGATATGCCACGGGTGTATTGTGTTGAAGGGACACCTATAAACTTTTCCACAGCTAC-3'
Protein context (NP_000029.2, residues 1625-1645): QPQKHVSFTP[Gly1635Val]DDMPRVYCVE